The following is an entry in ClinVar:

ClinVar aggregate classification (germline): Conflicting classifications of pathogenicity. Review status: criteria provided, conflicting classifications (1 of 4 stars). 2 submissions from 2 submitters: Uncertain significance (1); Likely benign (1). Last evaluated 2025-10-14.

Conditions:
Hereditary cancer-predisposing syndrome. Also called: Hereditary neoplastic syndrome; Neoplastic Syndromes, Hereditary; Tumor predisposition; Hereditary Cancer Syndrome. Identifiers: Orphanet 140162, MedGen C0027672, MeSH D009386, MONDO:0015356.
Familial meningioma. Also called: Meningioma, familial, susceptibility to. Identifiers: Orphanet 263662, MedGen C3551915, MONDO:0011789, OMIM 607174.

gnomAD v4.1: 13 of 1,613,782 alleles (0.00081%); highest among the groups gnomAD compares: Non-Finnish European, 0.001%; no homozygotes.

Submissions (2):

Labcorp Genetics (formerly Invitae), Labcorp
Classification: Uncertain significance for Familial meningioma. Last evaluated: 2025-10-14. Review status: criteria provided, single submitter. Criteria: Invitae Variant Classification Sherloc (09022015). Collection method: clinical testing. Allele origin: germline.
Comment: This sequence change replaces arginine, which is basic and polar, with glycine, which is neutral and non-polar, at codon 297 of the SMARCE1 protein (p.Arg297Gly). This variant is present in population databases (no rsID available, gnomAD 0.0009%). This variant has not been reported in the literature in individuals affected with SMARCE1-related conditions. ClinVar contains an entry for this variant (Variation ID: 946770). Invitae Evidence Modeling of protein sequence and biophysical properties (such as structural, functional, and spatial information, amino acid conservation, physicochemical variation, residue mobility, and thermodynamic stability) indicates that this missense variant is expected to disrupt SMARCE1 protein function with a positive predictive value of 80%. In summary, the available evidence is currently insufficient to determine the role of this variant in disease. Therefore, it has been classified as a Variant of Uncertain Significance.

Ambry Genetics
Classification: Likely benign for Hereditary cancer-predisposing syndrome. Last evaluated: 2024-09-25. Review status: criteria provided, single submitter. Criteria: Ambry Variant Classification Scheme 2023. Collection method: clinical testing. Allele origin: germline.

NM_003079.5(SMARCE1):c.889C>G (p.Arg297Gly)

Gene: SMARCE1 (SWI/SNF related BAF chromatin remodeling complex subunit E1; minus strand). Cytogenetic location: 17q21.2.
Variant type: single nucleotide variant.
Coding change: c.889C>G on transcript NM_003079.5 (MANE Select); coding-DNA position 889, C replaced by G.
Protein change: p.Arg297Gly; replaces arginine 297 with glycine.
Molecular consequence: missense variant.
Genome position (GRCh38, 1-based): chr17:40,630,852, G>C on the plus strand (C>G on the coding strand, the complement: SMARCE1 is on the minus strand). VCF-style: chr17-40630852-G-C. GRCh37 (hg19) VCF-style: chr17-38787104-G-C.
Other names: short protein forms R297G.
Identifiers: ClinVar variation 946770 (VCV000946770.14), dbSNP rs562702157, ClinGen allele CA399363769.